The following is an entry in ClinVar:

NM_032977.4(CASP10):c.665C>T (p.Thr222Ile)

Gene: CASP10 (caspase 10; plus strand). Cytogenetic location: 2q33.1.
Variant type: single nucleotide variant.
Coding change: c.665C>T on transcript NM_032977.4 (MANE Select); coding-DNA position 665, C replaced by T.
Protein change: p.Thr222Ile; replaces threonine 222 with isoleucine.
Molecular consequence: missense variant.
Genome position (GRCh38, 1-based): chr2:201,195,929, C>T. VCF-style: chr2-201195929-C-T. GRCh37 (hg19) VCF-style: chr2-202060652-C-T.
Other names: c.665C>T, p.Thr222Ile (NM_001230.5, NM_001306083.2, NM_032974.5 and 3 more transcripts); short protein forms T222I.
Identifiers: ClinVar variation 4793935 (VCV004793935.1).

ClinVar aggregate classification (germline): Uncertain significance (1 of 4 stars; one submission).

Conditions:
Autoimmune lymphoproliferative syndrome type 2A (ALPS2A). Also called: CASP10-Related Autoimmune Lymphoproliferative Syndrome; AUTOIMMUNE LYMPHOPROLIFERATIVE SYNDROME, TYPE IIA; Autoimmune lymphoproliferative syndrome type 2. Identifiers: Orphanet 3261, MedGen C1858968, MONDO:0011383, OMIM 603909.

Submission:

Labcorp Genetics (formerly Invitae), Labcorp
Classification: Uncertain significance for Autoimmune lymphoproliferative syndrome type 2A. Last evaluated: 2025-08-26. Review status: criteria provided, single submitter. Criteria: Invitae Variant Classification Sherloc (09022015). Collection method: clinical testing. Allele origin: germline.
Comment: This sequence change replaces threonine, which is neutral and polar, with isoleucine, which is neutral and non-polar, at codon 222 of the CASP10 protein (p.Thr222Ile). This variant is not present in population databases (gnomAD no frequency). This variant has not been reported in the literature in individuals affected with CASP10-related conditions. An algorithm developed to predict the effect of missense changes on protein structure and function (PolyPhen-2) suggests that this variant is likely to be tolerated. In summary, the available evidence is currently insufficient to determine the role of this variant in disease. Therefore, it has been classified as a Variant of Uncertain Significance.